The following is an entry in ClinVar:

NM_024685.4(BBS10):c.944A>G (p.Gln315Arg)

Gene: BBS10 (Bardet-Biedl syndrome 10; minus strand). Cytogenetic location: 12q21.2.
Variant type: single nucleotide variant.
Coding change: c.944A>G on transcript NM_024685.4 (MANE Select); coding-DNA position 944, A replaced by G.
Protein change: p.Gln315Arg; replaces glutamine 315 with arginine.
Molecular consequence: missense variant.
Genome position (GRCh38, 1-based): chr12:76,347,041, T>C on the plus strand (A>G on the coding strand, the complement: BBS10 is on the minus strand). VCF-style: chr12-76347041-T-C. GRCh37 (hg19) VCF-style: chr12-76740821-T-C.
Other names: short protein forms Q315R.
Identifiers: ClinVar variation 3348815 (VCV003348815.1).

ClinVar aggregate classification (germline): Uncertain significance (0 of 4 stars; one submission).

Conditions:
BBS10-related disorder. Also called: BBS10-related condition.

Submission:

PreventionGenetics, part of Exact Sciences
Classification: Uncertain significance for BBS10-related condition. Last evaluated: 2023-12-18. Review status: no assertion criteria provided. Collection method: clinical testing. Allele origin: germline.
Comment: The BBS10 c.944A>G variant is predicted to result in the amino acid substitution p.Gln315Arg. To our knowledge, this variant has not been reported in the literature or in a large population database, indicating this variant is rare. At this time, the clinical significance of this variant is uncertain due to the absence of conclusive functional and genetic evidence.